The following is an entry in ClinVar:

ClinVar aggregate classification (germline): Benign. Review status: criteria provided, multiple submitters, no conflicts (2 of 4 stars). 3 submissions from 3 submitters: Benign (3). Last evaluated 2018-07-05.

Conditions:
Paroxysmal nonkinesigenic dyskinesia 1 (PNKD1). Also called: Nonkinesigenic choreoathetosis; Familial paroxysmal choreoathetosis; DYSTONIA 8; Familial Paroxysmal Nonkinesigenic Dyskinesia; MOUNT-REBACK SYNDROME; PxMD-PNKD. Identifiers: Orphanet 98810, MedGen C4551506, MONDO:0700089, OMIM 118800, MONDO:0007326.

Allele frequency attached by ClinVar (database versions not stated): 1000 Genomes Project 0.27436; 1000 Genomes Project 30x 0.27655; gnomAD 0.34920 and 0.35927; TOPMed 0.36107.
gnomAD v4.1: 324,764 of 945,032 alleles (34%); highest among the groups gnomAD compares: Middle Eastern, 40%; 58,635 homozygotes.

Submissions (3):

GeneDx
Classification: Benign. Last evaluated: 2018-07-05. Review status: criteria provided, single submitter. Criteria: GeneDx Variant Classification Process June 2021. Collection method: clinical testing. Allele origin: germline. Affected: yes.

Illumina Laboratory Services, Illumina
Classification: Benign for Paroxysmal nonkinesigenic dyskinesia 1. Last evaluated: 2018-01-12. Review status: criteria provided, single submitter. Criteria: ICSL Variant Classification Criteria 13 December 2019. Collection method: clinical testing. Allele origin: germline.
Comment: This variant was observed in the ICSL laboratory as part of a predisposition screen in an ostensibly healthy population. It had not been previously curated by ICSL or reported in the Human Gene Mutation Database (HGMD: prior to June 1st, 2018), and was therefore a candidate for classification through an automated scoring system. Utilizing variant allele frequency, disease prevalence and penetrance estimates, and inheritance mode, an automated score was calculated to assess if this variant is too frequent to cause the disease. Based on the score and internal cut-off values, a variant classified as benign is not then subjected to further curation. The score for this variant resulted in a classification of benign for this disease.

Breakthrough Genomics
Classification: Benign. Review status: criteria provided, single submitter. Criteria: ACMG Guidelines, 2015. Collection method: not provided. Allele origin: germline. Inheritance: Autosomal dominant inheritance. Affected: yes.

NM_015488.5(PNKD):c.*92C>A

Genes: CATIP-AS2 (CATIP antisense RNA 2; minus strand), PNKD (PNKD metallo-beta-lactamase domain containing; plus strand). Cytogenetic location: 2q35.
Variant type: single nucleotide variant.
Coding change: c.*92C>A on transcript NM_015488.5 (MANE Select); 92 bases downstream of the stop codon, C replaced by A.
Molecular consequence: 3 prime UTR variant.
Genome position (GRCh38, 1-based): chr2:218,345,073, C>A. VCF-style: chr2-218345073-C-A. GRCh37 (hg19) VCF-style: chr2-219209796-C-A.
Other names: c.*92C>A (NM_022572.5).
Identifiers: ClinVar variation 334332 (VCV000334332.7), dbSNP rs921970, ClinGen allele CA10612425.